The following is an entry in ClinVar:

ClinVar aggregate classification (germline): Uncertain significance (1 of 4 stars; one submission).

Conditions:
Dilated cardiomyopathy 1J (CMD1J). Also called: CARDIOMYOPATHY, DILATED, WITH SENSORINEURAL HEARING LOSS, AUTOSOMAL DOMINANT. Identifiers: Orphanet 217622, MedGen C1854368, MONDO:0011541, OMIM 605362.

Allele frequency attached by ClinVar (database versions not stated): gnomAD exomes below 0.00001.
gnomAD v4.1: 1 of 1,611,788 alleles (0.000062%); highest among the groups gnomAD compares: Non-Finnish European, 0.000085%; no homozygotes.

Submission:

Labcorp Genetics (formerly Invitae), Labcorp
Classification: Uncertain significance for Dilated cardiomyopathy 1J. Last evaluated: 2022-01-11. Review status: criteria provided, single submitter. Criteria: Invitae Variant Classification Sherloc (09022015). Collection method: clinical testing. Allele origin: germline.
Comment: Algorithms developed to predict the effect of sequence changes on RNA splicing suggest that this variant may create or strengthen a splice site. In summary, the available evidence is currently insufficient to determine the role of this variant in disease. Therefore, it has been classified as a Variant of Uncertain Significance. Algorithms developed to predict the effect of missense changes on protein structure and function are either unavailable or do not agree on the potential impact of this missense change (SIFT: "Tolerated"; PolyPhen-2: "Probably Damaging"; Align-GVGD: "Class C0"). This variant has not been reported in the literature in individuals affected with EYA4-related conditions. This variant is not present in population databases (gnomAD no frequency). This sequence change replaces asparagine, which is neutral and polar, with serine, which is neutral and polar, at codon 255 of the EYA4 protein (p.Asn255Ser).

NM_004100.5(EYA4):c.764A>G (p.Asn255Ser)

Gene: EYA4 (EYA transcriptional coactivator and phosphatase 4; plus strand). Cytogenetic location: 6q23.2.
Variant type: single nucleotide variant.
Coding change: c.764A>G on transcript NM_004100.5 (MANE Select); coding-DNA position 764, A replaced by G.
Protein change: p.Asn255Ser; replaces asparagine 255 with serine.
Molecular consequence: missense variant.
Genome position (GRCh38, 1-based): chr6:133,464,818, A>G. VCF-style: chr6-133464818-A-G. GRCh37 (hg19) VCF-style: chr6-133785956-A-G.
Other names: c.602A>G, p.Asn201Ser (NM_001301012.2, NM_001370459.1); c.764A>G, p.Asn255Ser (NM_001301013.2, NM_172105.4); c.695A>G, p.Asn232Ser (NM_001370458.1, NM_172103.4); short protein forms N232S, N201S, N255S.
Identifiers: ClinVar variation 2183316 (VCV002183316.4), dbSNP rs1001114966, ClinGen allele CA148049860.
Genomic context (GRCh38, chr6:133,464,818, plus strand): 5'-CAATTTGTTTTTTACCTCTAGGTTCTAGTTTTGCACCATCATCTACTATTTATGCAAATA[A>G]TTCAGTTTCCAATTCAACGAATTTCAGTGGTTCACAACAGGTATAGTAGCTTTTTGTGTT-3'
Protein context (NP_004091.3, residues 245-265): FAPSSTIYAN[Asn255Ser]SVSNSTNFSG